The following is an entry in ClinVar:

NM_007294.4(BRCA1):c.4641G>C (p.Leu1547Phe)

Gene: BRCA1 (BRCA1 DNA repair associated; minus strand). Cytogenetic location: 17q21.31.
Variant type: single nucleotide variant.
Coding change: c.4641G>C on transcript NM_007294.4 (MANE Select); coding-DNA position 4641, G replaced by C.
Protein change: p.Leu1547Phe; replaces leucine 1547 with phenylalanine.
Molecular consequence: missense variant. On other transcripts: non-coding transcript variant (1).
Genome position (GRCh38, 1-based): chr17:43,074,365, C>G on the plus strand (G>C on the coding strand, the complement: BRCA1 is on the minus strand). VCF-style: chr17-43074365-C-G. GRCh37 (hg19) VCF-style: chr17-41226382-C-G.
Other names: c.1206G>C, p.Leu402Phe (NM_001408441.1, NM_001408442.1, NM_001408443.1 and 10 more transcripts); c.4638G>C, p.Leu1546Phe (NM_001407612.1, NM_001407613.1, NM_001407614.1 and 17 more transcripts); c.1203G>C, p.Leu401Phe (NM_001408445.1, NM_001408446.1, NM_001408447.1 and 2 more transcripts); c.1197G>C, p.Leu399Phe (NM_001408451.1); c.1191G>C, p.Leu397Phe (NM_001408452.1, NM_001408453.1, NM_001408454.1 and 3 more transcripts); c.4635G>C, p.Leu1545Phe (NM_001407627.1, NM_001407628.1, NM_001407629.1 and 14 more transcripts); c.4632G>C, p.Leu1544Phe (NM_001407644.1, NM_001407645.1); c.4629G>C, p.Leu1543Phe (NM_001407646.1); and 68 more; short protein forms L1547F, L1568F, L443F, L1500F, L330F, L331F, L334F, L396F.
Identifiers: ClinVar variation 646290 (VCV000646290.11), dbSNP rs864622265, ClinGen allele CA10592230.

ClinVar aggregate classification (germline): Uncertain significance. Review status: criteria provided, multiple submitters, no conflicts (2 of 4 stars). 2 submissions from 2 submitters: Uncertain significance (2). Last evaluated 2025-11-18.

Conditions:
Hereditary breast ovarian cancer syndrome. Also called: Hereditary breast and ovarian cancer; Hereditary breast and ovarian cancer syndrome; BRCA1- and BRCA2-Associated Hereditary Breast and Ovarian Cancer; Hereditary breast and ovarian cancer syndrome (HBOC); Breast and ovarian cancer; Hereditary breast and/or ovarian cancer syndrome. Identifiers: Orphanet 145, MedGen C0677776, MeSH D061325, MONDO:0003582. Disease mechanism: loss of function.
Hereditary cancer-predisposing syndrome. Also called: Hereditary Cancer Syndrome; Tumor predisposition; Hereditary neoplastic syndrome; Neoplastic Syndromes, Hereditary. Identifiers: Orphanet 140162, MedGen C0027672, MeSH D009386, MONDO:0015356.

Submissions (2):

Ambry Genetics
Classification: Uncertain significance for Hereditary cancer-predisposing syndrome. Last evaluated: 2025-11-18. Review status: criteria provided, single submitter. Criteria: Ambry Variant Classification Scheme 2023. Collection method: clinical testing. Allele origin: germline.
Comment: The p.L1547F variant (also known as c.4641G>C), located in coding exon 13 of the BRCA1 gene, results from a G to C substitution at nucleotide position 4641. The leucine at codon 1547 is replaced by phenylalanine, an amino acid with highly similar properties. This amino acid position is not well conserved in available vertebrate species. In addition, the in silico prediction for this alteration is inconclusive. Based on the available evidence, the clinical significance of this variant remains unclear.

Labcorp Genetics (formerly Invitae), Labcorp
Classification: Uncertain significance for Hereditary breast ovarian cancer syndrome. Last evaluated: 2018-12-21. Review status: criteria provided, single submitter. Criteria: Invitae Variant Classification Sherloc (09022015). Collection method: clinical testing. Allele origin: germline.
Comment: In summary, the available evidence is currently insufficient to determine the role of this variant in disease. Therefore, it has been classified as a Variant of Uncertain Significance. Algorithms developed to predict the effect of missense changes on protein structure and function output the following: SIFT: "Tolerated"; PolyPhen-2: "Benign"; Align-GVGD: "Class C0". The phenylalanine amino acid residue is found in multiple mammalian species, suggesting that this missense change does not adversely affect protein function. These predictions have not been confirmed by published functional studies and their clinical significance is uncertain. This variant has not been reported in the literature in individuals with BRCA1-related conditions. This variant is not present in population databases (ExAC no frequency). This sequence change replaces leucine with phenylalanine at codon 1547 of the BRCA1 protein (p.Leu1547Phe). The leucine residue is moderately conserved and there is a small physicochemical difference between leucine and phenylalanine.